The following is an entry in ClinVar:

NM_003072.5(SMARCA4):c.4494C>T (p.Tyr1498=)

Gene: SMARCA4 (SWI/SNF related BAF chromatin remodeling complex subunit ATPase 4; plus strand). Cytogenetic location: 19p13.2.
Variant type: single nucleotide variant.
Coding change: c.4494C>T on transcript NM_003072.5 (MANE Select); coding-DNA position 4494, C replaced by T.
Protein change: p.Tyr1498=; no amino-acid change (tyrosine 1498 retained).
Molecular consequence: synonymous variant. On other transcripts: non-coding transcript variant (1).
Genome position (GRCh38, 1-based): chr19:11,058,324, C>T. VCF-style: chr19-11058324-C-T. GRCh37 (hg19) VCF-style: chr19-11169000-C-T.
Other names: c.4494C>T, p.Tyr1498= (NM_001128844.3); c.4404C>T, p.Tyr1468= (NM_001128845.2); c.4401C>T, p.Tyr1467= (NM_001128846.2); c.4395C>T, p.Tyr1465= (NM_001128847.4, NM_001374457.1); c.4392C>T, p.Tyr1464= (NM_001128848.2); c.4590C>T, p.Tyr1530= (NM_001128849.3, NM_001387283.1).
Identifiers: ClinVar variation 126363 (VCV000126363.37), dbSNP rs139505007, ClinGen allele CA151117.

ClinVar aggregate classification (germline): Benign/Likely benign. Review status: criteria provided, multiple submitters, no conflicts (2 of 4 stars). 13 submissions from 13 submitters: Benign (8); Likely benign (4). 1 of the submissions does not count toward it. Last evaluated 2026-07-23.

Conditions:
Coffin-Siris syndrome. Identifiers: Orphanet 1465, MedGen C0265338, MONDO:0015452.
Hereditary cancer-predisposing syndrome. Also called: Neoplastic Syndromes, Hereditary; Tumor predisposition; Hereditary neoplastic syndrome; Hereditary Cancer Syndrome. Identifiers: Orphanet 140162, MedGen C0027672, MeSH D009386, MONDO:0015356.
Intellectual disability, autosomal dominant 16 (CSS4). Also called: COFFIN-SIRIS SYNDROME 4. Identifiers: Orphanet 1465, MedGen C3553249, MONDO:0013821, OMIM 614609.
Rhabdoid tumor predisposition syndrome 2 (RTPS2). Identifiers: Orphanet 231108, Orphanet 69077, MedGen C2750074, MONDO:0013224, OMIM 613325.

Allele frequency attached by ClinVar (database versions not stated): ExAC 0.00122; gnomAD 0.00434 and 0.00401; gnomAD exomes 0.00035 and 0.00099; ESP Exome Variant Server 0.00415; 1000 Genomes Project 30x 0.00312; 1000 Genomes Project 0.00319; TOPMed 0.00450.
gnomAD v4.1: 1,133 of 1,613,332 alleles (0.07%); highest among the groups gnomAD compares: African/African-American, 1.4%; 4 homozygotes.

Submissions (13):

Myriad Genetics, Inc.
Classification: Benign for Rhabdoid tumor predisposition syndrome 2. Last evaluated: 2026-07-23. Review status: criteria provided, single submitter. Criteria: Myriad Autosomal Dominant, Autosomal Recessive and X-Linked Classification Criteria (2023). Collection method: clinical testing. Allele origin: unknown.
Comment: This variant is considered benign. This variant is a silent/synonymous amino acid change and it is not expected to impact splicing.

Labcorp Genetics (formerly Invitae), Labcorp
Classification: Benign for Rhabdoid tumor predisposition syndrome 2. Last evaluated: 2026-02-03. Review status: criteria provided, single submitter. Criteria: Invitae Variant Classification Sherloc (09022015). Collection method: clinical testing. Allele origin: germline.

Quest Diagnostics Nichols Institute San Juan Capistrano
Classification: Benign. Last evaluated: 2025-10-17. Review status: criteria provided, single submitter. Criteria: Quest Diagnostics criteria. Collection method: clinical testing. Allele origin: unknown.

CeGaT Center for Human Genetics Tuebingen
Classification: Likely benign. Last evaluated: 2025-08-01. Review status: criteria provided, single submitter. Criteria: CeGaT Center For Human Genetics Tuebingen Variant Classification Criteria Version 2. Collection method: clinical testing. Allele origin: germline. Affected: yes. Observed: 1 variant allele.
Comment: SMARCA4: BP4, BP7, BS1

Blueprint Genetics
Classification: Likely benign. Last evaluated: 2024-11-06. Review status: criteria provided, single submitter. Criteria: ACMG Guidelines, 2015. Collection method: clinical testing. Allele origin: germline.

GeneDx
Classification: Likely benign. Last evaluated: 2021-10-04. Review status: criteria provided, single submitter. Criteria: GeneDx Variant Classification Process June 2021. Collection method: clinical testing. Allele origin: germline. Affected: yes.

Genome-Nilou Lab
Classification: Benign for Intellectual disability, autosomal dominant 16. Last evaluated: 2021-07-15. Review status: criteria provided, single submitter. Criteria: ACMG Guidelines, 2015. Collection method: clinical testing. Allele origin: germline. Affected: no.

Sema4
Classification: Benign for Hereditary cancer-predisposing syndrome. Last evaluated: 2021-04-26. Review status: criteria provided, single submitter. Criteria: Sema4 Curation Guidelines. Collection method: curation. Allele origin: germline.

Illumina Laboratory Services, Illumina
Classification: Benign for Coffin-Siris syndrome. Last evaluated: 2018-01-13. Review status: criteria provided, single submitter. Criteria: ICSL Variant Classification Criteria 13 December 2019. Collection method: clinical testing. Allele origin: germline.
Comment: This variant was observed in the ICSL laboratory as part of a predisposition screen in an ostensibly healthy population. It had not been previously curated by ICSL or reported in the Human Gene Mutation Database (HGMD: prior to June 1st, 2018), and was therefore a candidate for classification through an automated scoring system. Utilizing variant allele frequency, disease prevalence and penetrance estimates, and inheritance mode, an automated score was calculated to assess if this variant is too frequent to cause the disease. Based on the score and internal cut-off values, a variant classified as benign is not then subjected to further curation. The score for this variant resulted in a classification of benign for this disease.

Ambry Genetics
Classification: Benign for Hereditary cancer-predisposing syndrome. Last evaluated: 2015-05-20. Review status: criteria provided, single submitter. Criteria: Ambry Variant Classification Scheme 2023. Collection method: clinical testing. Allele origin: germline.

Breakthrough Genomics
Classification: Likely benign. Review status: criteria provided, single submitter. Criteria: ACMG Guidelines, 2015. Collection method: not provided. Allele origin: germline. Inheritance: Autosomal dominant inheritance. Affected: yes.

PreventionGenetics, part of Exact Sciences
Classification: Benign. Review status: criteria provided, single submitter. Criteria: ACMG Guidelines, 2015. Collection method: clinical testing. Allele origin: germline.

Genetic Services Laboratory, University of Chicago
Classification: Likely benign for AllHighlyPenetrant. Review status: no assertion criteria provided. Collection method: clinical testing. Allele origin: germline. Inheritance: Autosomal dominant inheritance. Observed: 2 variant alleles. Not counted in ClinVar's aggregate classification.
Comment: Likely benign based on allele frequency in 1000 Genomes Project or ESP global frequency and its presence in a patient with a rare or unrelated disease phenotype. NOT Sanger confirmed.